The following is an entry in ClinVar:

ClinVar aggregate classification (germline): Likely pathogenic (1 of 4 stars; one submission).

Conditions:
CHARGE syndrome (CHARGE). Also called: Hittner Hirsch Kreh syndrome; CHARGE ASSOCIATION--COLOBOMA, HEART ANOMALY, CHOANAL ATRESIA, RETARDATION, GENITAL AND EAR ANOMALIES; Coloboma, heart anomaly, choanal atresia, retardation, genital and ear anomalies; CHARGE association; Hall-Hittner syndrome. Identifiers: Orphanet 138, MedGen C0265354, MONDO:0008965.

Submission:

3billion
Classification: Likely pathogenic for CHD7-related CHARGE syndrome. Last evaluated: 2023-10-13. Review status: criteria provided, single submitter. Criteria: ACMG Guidelines, 2015. Collection method: clinical testing. Allele origin: germline. Affected: yes.
Comment: The variant is not observed in the gnomAD v2.1.1 dataset. Predicted Consequence/Location: Frameshift: predicted to result in a loss or disruption of normal protein function through nonsense-mediated decay (NMD) or protein truncation. Multiple pathogenic variants are reported downstream of the variant. Therefore, this variant is classified as Likely pathogenic according to the recommendation of ACMG/AMP guideline.

NM_017780.4(CHD7):c.2998dup (p.Thr1000fs)

Gene: CHD7 (chromodomain helicase DNA binding protein 7; plus strand). Cytogenetic location: 8q12.2.
Variant type: Duplication.
Coding change: c.2998dup on transcript NM_017780.4 (MANE Select); coding-DNA position 2998, one base duplicated (A; older notation c.2998dupA).
Protein change: p.Thr1000fs; shifts the reading frame from threonine 1000.
Molecular consequence: frameshift variant. On other transcripts: intron variant (1).
Genome position (GRCh38, 1-based): chr8:60,822,543, A duplicated; the last of 5 consecutive A bases (chr8:60,822,539-60,822,543); duplicating any one gives the same sequence. VCF-style (leftmost placement, unchanged base first): chr8-60822538-G-GA. GRCh37 (hg19) VCF-style: chr8-61735097-G-GA.
Other names: c.1717-39686dup (NM_001316690.1); short protein forms T1000fs.
Identifiers: ClinVar variation 3775340 (VCV003775340.1).
Genomic context (GRCh38, chr8:60,822,538, plus strand): 5'-TTTGTACTTCATTTTCCTCCTAAAGGCGAAACTGCATTTTAGCAGATGAAATGGGTTTGG[G>GA]AAAAACTATCCAGTCCATTACATTTCTCTATGAGATATATTTGAAAGGAATCCATGGCCC-3'